The following is an entry in ClinVar:

ClinVar aggregate classification (germline): Uncertain significance (1 of 4 stars; one submission).

gnomAD v4.1: 1 of 1,612,238 alleles (0.000062%); highest among the groups gnomAD compares: Non-Finnish European, 0.000085%; no homozygotes.

Submission:

Labcorp Genetics (formerly Invitae), Labcorp
Classification: Uncertain significance. Last evaluated: 2025-11-24. Review status: criteria provided, single submitter. Criteria: Invitae Variant Classification Sherloc (09022015). Collection method: clinical testing. Allele origin: germline.
Comment: This sequence change falls in intron 11 of the COL2A1 gene. It does not directly change the encoded amino acid sequence of the COL2A1 protein. This variant is not present in population databases (gnomAD no frequency). This variant has not been reported in the literature in individuals affected with COL2A1-related conditions. Algorithms developed to predict the effect of sequence changes on RNA splicing suggest that this variant may disrupt the consensus splice site. In summary, the available evidence is currently insufficient to determine the role of this variant in disease. Therefore, it has been classified as a Variant of Uncertain Significance.

NM_001844.5(COL2A1):c.762+7A>G

Gene: COL2A1 (collagen type II alpha 1 chain; minus strand). Cytogenetic location: 12q13.11.
Variant type: single nucleotide variant.
Coding change: c.762+7A>G on transcript NM_001844.5 (MANE Select); 7 bases into the intron after coding-DNA position 762, A replaced by G.
Molecular consequence: intron variant.
Genome position (GRCh38, 1-based): chr12:47,995,248, T>C on the plus strand (A>G on the coding strand, the complement: COL2A1 is on the minus strand). VCF-style: chr12-47995248-T-C. GRCh37 (hg19) VCF-style: chr12-48389031-T-C.
Other names: c.555+7A>G (NM_033150.3).
Identifiers: ClinVar variation 4731891 (VCV004731891.1).